The following is an entry in ClinVar:

ClinVar aggregate classification (germline): Uncertain significance. Review status: criteria provided, multiple submitters, no conflicts (2 of 4 stars). 2 submissions from 2 submitters: Uncertain significance (2). Last evaluated 2025-03-31.

Conditions:
Primary immunodeficiency with natural-killer cell deficiency and adrenal insufficiency (IMD54). Also called: Natural killer cell and glucocorticoid deficiency with DNA repair defect; IMMUNODEFICIENCY 54. Identifiers: Orphanet 75391, MedGen C1864947, MONDO:0012383, OMIM 609981.

Allele frequency attached by ClinVar (database versions not stated): gnomAD 0.00002 and 0.00003; ExAC 0.00003; gnomAD exomes 0.00003 and 0.00006; TOPMed 0.00003; 1000 Genomes Project 30x 0.00016; 1000 Genomes Project 0.00020.
gnomAD v4.1: 93 of 1,560,242 alleles (0.006%); highest among the groups gnomAD compares: Middle Eastern, 0.017%; no homozygotes.

Submissions (2):

Labcorp Genetics (formerly Invitae), Labcorp
Classification: Uncertain significance. Last evaluated: 2025-03-31. Review status: criteria provided, single submitter. Criteria: Invitae Variant Classification Sherloc (09022015). Collection method: clinical testing. Allele origin: germline.
Comment: This sequence change affects codon 231 of the MCM4 mRNA. It is a 'silent' change, meaning that it does not change the encoded amino acid sequence of the MCM4 protein. This variant also falls at the last nucleotide of exon 6, which is part of the consensus splice site for this exon. This variant is present in population databases (rs557349481, gnomAD 0.004%). This variant has not been reported in the literature in individuals affected with MCM4-related conditions. ClinVar contains an entry for this variant (Variation ID: 910717). Variants that disrupt the consensus splice site are a relatively common cause of aberrant splicing (PMID: 17576681, 9536098). Algorithms developed to predict the effect of sequence changes on RNA splicing suggest that this variant may disrupt the consensus splice site. In summary, the available evidence is currently insufficient to determine the role of this variant in disease. Therefore, it has been classified as a Variant of Uncertain Significance.

Illumina Laboratory Services, Illumina
Classification: Uncertain significance for Primary immunodeficiency with natural-killer cell deficiency and adrenal insufficiency. Last evaluated: 2018-01-13. Review status: criteria provided, single submitter. Criteria: ICSL Variant Classification Criteria 13 December 2019. Collection method: clinical testing. Allele origin: germline.

Literature cited by the submitters: PubMed 17576681 (cited by Labcorp Genetics (formerly Invitae), Labcorp); PubMed 9536098 (cited by Labcorp Genetics (formerly Invitae), Labcorp).

NM_182746.3(MCM4):c.693G>A (p.Gln231=)

Gene: MCM4 (minichromosome maintenance complex component 4; plus strand). Cytogenetic location: 8q11.21.
Variant type: single nucleotide variant.
Coding change: c.693G>A on transcript NM_182746.3 (MANE Select); coding-DNA position 693, G replaced by A.
Protein change: p.Gln231=; no amino-acid change (glutamine 231 retained).
Molecular consequence: synonymous variant.
Genome position (GRCh38, 1-based): chr8:47,963,040, G>A. VCF-style: chr8-47963040-G-A. GRCh37 (hg19) VCF-style: chr8-48875600-G-A.
Other names: c.693G>A, p.Gln231= (NM_005914.4).
Identifiers: ClinVar variation 910717 (VCV000910717.9), dbSNP rs557349481, ClinGen allele CA4742384.